The following is an entry in ClinVar:

NM_000170.3(GLDC):c.2281G>A (p.Gly761Arg)

Gene: GLDC (glycine decarboxylase; minus strand). Cytogenetic location: 9p24.1.
Variant type: single nucleotide variant.
Coding change: c.2281G>A on transcript NM_000170.3 (MANE Select); coding-DNA position 2281, G replaced by A.
Protein change: p.Gly761Arg; replaces glycine 761 with arginine.
Molecular consequence: missense variant.
Genome position (GRCh38, 1-based): chr9:6,554,703, C>T on the plus strand (G>A on the coding strand, the complement: GLDC is on the minus strand). VCF-style: chr9-6554703-C-T. GRCh37 (hg19) VCF-style: chr9-6554703-C-T.
Other names: short protein forms G761R.
Identifiers: ClinVar variation 555815 (VCV000555815.17), dbSNP rs386833549, ClinGen allele CA4980307.

ClinVar aggregate classification (germline): Pathogenic. Review status: criteria provided, multiple submitters, no conflicts (2 of 4 stars). 6 submissions from 6 submitters: Pathogenic (5). 1 of the submissions does not count toward it. Last evaluated 2025-02-11.

Conditions:
Glycine encephalopathy. Also called: Nonketotic hyperglycinemia; Non-ketotic hyperglycinemia. Identifiers: Orphanet 407, MedGen C0751748, MONDO:0011612, HP:0008288.
GLDC-related disorders.
Glycine encephalopathy 1 (GCE1). Identifiers: MedGen CN376801, MONDO:0958179, OMIM 605899.

Allele frequency attached by ClinVar (database versions not stated): TOPMed 0.00001; gnomAD 0.00004; gnomAD exomes 0.00006 and 0.00017; ExAC 0.00009.
gnomAD v4.1: 94 of 1,612,486 alleles (0.0058%); highest among the groups gnomAD compares: East Asian, 0.0022%; no homozygotes.

Submissions (6):

Labcorp Genetics (formerly Invitae), Labcorp
Classification: Pathogenic for Glycine encephalopathy. Last evaluated: 2025-02-11. Review status: criteria provided, single submitter. Criteria: Invitae Variant Classification Sherloc (09022015). Collection method: clinical testing. Allele origin: germline.
Comment: This sequence change replaces glycine, which is neutral and non-polar, with arginine, which is basic and polar, at codon 761 of the GLDC protein (p.Gly761Arg). This variant is present in population databases (rs386833549, gnomAD 0.2%). This missense change has been observed in individual(s) with glycine encephalopathy (PMID: 27362913). In at least one individual the data is consistent with being in trans (on the opposite chromosome) from a pathogenic variant. ClinVar contains an entry for this variant (Variation ID: 555815). Invitae Evidence Modeling of protein sequence and biophysical properties (such as structural, functional, and spatial information, amino acid conservation, physicochemical variation, residue mobility, and thermodynamic stability) indicates that this missense variant is expected to disrupt GLDC protein function with a positive predictive value of 95%. Experimental studies have shown that this missense change affects GLDC function (PMID: 26179960). Algorithms developed to predict the effect of sequence changes on RNA splicing suggest that this variant may disrupt the consensus splice site. For these reasons, this variant has been classified as Pathogenic.

Natera, Inc.
Classification: Pathogenic for Non-ketotic hyperglycinemia. Last evaluated: 2025-01-07. Review status: criteria provided, single submitter. Criteria: Natera Variant Classification Schema (03/2026). Collection method: clinical testing. Allele origin: germline.
Comment: The c.2281G>A variant in GLDC is a missense variant predicted to cause substitution of glycine to arginine at amino acid 761. This variant is rare in the general population with a frequency below the threshold expected for the associated phenotype(s). This variant has been observed in one or more individuals affected with the associated recessive disease, as either homozygous or compound heterozygous with a second variant (PMID: 27362913). Computational prediction algorithms indicate this variant is likely to affect gene or protein function. Given the available evidence, this variant is classified as Pathogenic.

Blueprint Genetics
Classification: Pathogenic for GLDC-related disorders. Last evaluated: 2024-09-12. Review status: criteria provided, single submitter. Criteria: ACMG Guidelines, 2015. Collection method: clinical testing. Allele origin: germline. Affected: yes. Observed: 5 variant alleles.

GeneDx
Classification: Pathogenic. Last evaluated: 2021-08-24. Review status: criteria provided, single submitter. Criteria: GeneDx Variant Classification Process June 2021. Collection method: clinical testing. Allele origin: germline. Affected: yes.
Comment: In-silico splice models predict that c.2281 G>A may create a cryptic splice acceptor site in exon 19 that could supplant the natural splice acceptor site. However, in the absence of RNA/functional studies, the actual effect of the c.2281 G>A change in this individual is unknown. If c.2281 G>A does not alter splicing, it will result in the G761R missense change.; This variant is associated with the following publications: (PMID: 16601880, 11592811, 26179960, 33726816, 27362913)

Women's Health and Genetics/Laboratory Corporation of America, LabCorp
Classification: Pathogenic for Non-ketotic hyperglycinemia. Last evaluated: 2020-06-19. Review status: criteria provided, single submitter. Criteria: LabCorp Variant Classification Summary - May 2015. Collection method: clinical testing. Allele origin: germline.
Comment: Variant summary: GLDC c.2281G>A (p.Gly761Arg) results in a non-conservative amino acid change in the encoded protein sequence. Five of five in-silico tools predict a damaging effect of the variant on protein function. The variant allele was found at a frequency of 0.00017 in 250606 control chromosomes (gnomAD). This frequency is not higher than expected for a pathogenic variant in GLDC causing Glycine Encephalopathy (Non-Ketotic Hyperglycinemia) (0.00017 vs 0.0031), allowing no conclusion about variant significance. c.2281G>A has been reported in the literature in multiple individuals affected with Glycine Encephalopathy (Non-Ketotic Hyperglycinemia) (e.g. Applegarth_2001, Coughlin_2017). These data indicate that the variant is very likely to be associated with disease. Experimental evidence evaluating an impact on protein function demonstrated the variant had no measurable residual activity (Swanson_2015). Two ClinVar submitters (evaluation after 2014) cite the variant as pathogenic/likely pathogenic. Based on the evidence outlined above, the variant was classified as pathogenic.

Counsyl
Classification: Likely pathogenic for Glycine encephalopathy 1. Last evaluated: 2017-12-22. Review status: no assertion criteria provided. Collection method: clinical testing. Allele origin: unknown. Not counted in ClinVar's aggregate classification.

Literature cited by the submitters: PubMed 27362913 (cited by 4 submitters); PubMed 26179960 (cited by 3 submitters); PubMed 11592811 (cited by Women's Health and Genetics/Laboratory Corporation of America, LabCorp).